The following is an entry in ClinVar:

NM_005585.5(SMAD6):c.1355C>G (p.Pro452Arg)

Gene: SMAD6 (SMAD family member 6; plus strand). Cytogenetic location: 15q22.31.
Variant type: single nucleotide variant.
Coding change: c.1355C>G on transcript NM_005585.5 (MANE Select); coding-DNA position 1355, C replaced by G.
Protein change: p.Pro452Arg; replaces proline 452 with arginine.
Molecular consequence: missense variant. On other transcripts: non-coding transcript variant (1).
Genome position (GRCh38, 1-based): chr15:66,781,399, C>G. VCF-style: chr15-66781399-C-G. GRCh37 (hg19) VCF-style: chr15-67073737-C-G.
Other names: short protein forms P452R.
Identifiers: ClinVar variation 1770681 (VCV001770681.5), dbSNP rs758201356, ClinGen allele CA7626798.

ClinVar aggregate classification (germline): Uncertain significance. Review status: criteria provided, multiple submitters, no conflicts (2 of 4 stars). 2 submissions from 2 submitters: Uncertain significance (2). Last evaluated 2025-05-04.

Conditions:
Aortic valve disease 2 (AOVD2). Identifiers: MedGen C3542024, MONDO:0013902, OMIM 614823.
Inborn genetic diseases. Identifiers: MedGen C0950123, MeSH D030342.

Allele frequency attached by ClinVar (database versions not stated): ExAC 0.00002.
gnomAD v4.1: 8 of 1,602,634 alleles (0.0005%); highest among the groups gnomAD compares: South Asian, 0.0033%; no homozygotes.

Submissions (2):

Labcorp Genetics (formerly Invitae), Labcorp
Classification: Uncertain significance for Aortic valve disease 2. Last evaluated: 2025-05-04. Review status: criteria provided, single submitter. Criteria: Invitae Variant Classification Sherloc (09022015). Collection method: clinical testing. Allele origin: germline.
Comment: This sequence change replaces proline, which is neutral and non-polar, with arginine, which is basic and polar, at codon 452 of the SMAD6 protein (p.Pro452Arg). This variant is present in population databases (rs758201356, gnomAD 0.003%). This variant has not been reported in the literature in individuals affected with SMAD6-related conditions. ClinVar contains an entry for this variant (Variation ID: 1770681). Invitae Evidence Modeling of protein sequence and biophysical properties (such as structural, functional, and spatial information, amino acid conservation, physicochemical variation, residue mobility, and thermodynamic stability) indicates that this missense variant is not expected to disrupt SMAD6 protein function with a negative predictive value of 80%. In summary, the available evidence is currently insufficient to determine the role of this variant in disease. Therefore, it has been classified as a Variant of Uncertain Significance.

Ambry Genetics
Classification: Uncertain significance for Inborn genetic diseases. Last evaluated: 2024-11-30. Review status: criteria provided, single submitter. Criteria: Ambry Variant Classification Scheme 2023. Collection method: clinical testing. Allele origin: germline.
Comment: The p.P452R variant (also known as c.1355C>G), located in coding exon 4 of the SMAD6 gene, results from a C to G substitution at nucleotide position 1355. The proline at codon 452 is replaced by arginine, an amino acid with dissimilar properties. This amino acid position is conserved. In addition, the in silico prediction for this alteration is inconclusive. Since supporting evidence is limited at this time, the clinical significance of this alteration remains unclear.